The following is an entry in ClinVar:

NM_002184.4(IL6ST):c.1076C>T (p.Ala359Val)

Gene: IL6ST (interleukin 6 cytokine family signal transducer; minus strand). Cytogenetic location: 5q11.2.
Variant type: single nucleotide variant.
Coding change: c.1076C>T on transcript NM_002184.4 (MANE Select); coding-DNA position 1076, C replaced by T.
Protein change: p.Ala359Val; replaces alanine 359 with valine.
Molecular consequence: missense variant. On other transcripts: 3 prime UTR variant (1), non-coding transcript variant (2).
Genome position (GRCh38, 1-based): chr5:55,956,216, G>A on the plus strand (C>T on the coding strand, the complement: IL6ST is on the minus strand). VCF-style: chr5-55956216-G-A. GRCh37 (hg19) VCF-style: chr5-55252044-G-A.
Other names: c.173C>T, p.Ala58Val (NM_001364278.2); c.80C>T, p.Ala27Val (NM_001364279.2); c.*3C>T (NM_175767.3); c.1076C>T, p.Ala359Val (NM_001190981.2, NM_001364275.2); c.866C>T, p.Ala289Val (NM_001364276.2); c.209C>T, p.Ala70Val (NM_001364277.2); short protein forms A27V, A359V, A70V, A58V, A289V.
Identifiers: ClinVar variation 2695598 (VCV002695598.3), dbSNP rs2533505389, ClinGen allele CA359764564.

ClinVar aggregate classification (germline): Uncertain significance (1 of 4 stars; one submission).

Submission:

Labcorp Genetics (formerly Invitae), Labcorp
Classification: Uncertain significance. Last evaluated: 2023-08-28. Review status: criteria provided, single submitter. Criteria: Invitae Variant Classification Sherloc (09022015). Collection method: clinical testing. Allele origin: germline.
Comment: In summary, the available evidence is currently insufficient to determine the role of this variant in disease. Therefore, it has been classified as a Variant of Uncertain Significance. An algorithm developed to predict the effect of missense changes on protein structure and function (PolyPhen-2) suggests that this variant is likely to be tolerated. This variant has not been reported in the literature in individuals affected with IL6ST-related conditions. This variant is not present in population databases (gnomAD no frequency). This sequence change replaces alanine, which is neutral and non-polar, with valine, which is neutral and non-polar, at codon 359 of the IL6ST protein (p.Ala359Val).